The following is an entry in ClinVar:

NM_020937.4(FANCM):c.2696G>A (p.Arg899Lys)

Gene: FANCM (FA complementation group M; plus strand). Cytogenetic location: 14q21.2.
Variant type: single nucleotide variant.
Coding change: c.2696G>A on transcript NM_020937.4 (MANE Select); coding-DNA position 2696, G replaced by A.
Protein change: p.Arg899Lys; replaces arginine 899 with lysine.
Molecular consequence: missense variant.
Genome position (GRCh38, 1-based): chr14:45,175,450, G>A. VCF-style: chr14-45175450-G-A. GRCh37 (hg19) VCF-style: chr14-45644653-G-A.
Other names: c.2618G>A, p.Arg873Lys (NM_001308133.2); c.2696G>A (NM_020937.2); short protein forms R873K, R899K.
Identifiers: ClinVar variation 830248 (VCV000830248.10), dbSNP rs755241883, ClinGen allele CA7169391.

ClinVar aggregate classification (germline): Uncertain significance. Review status: criteria provided, multiple submitters, no conflicts (2 of 4 stars). 3 submissions from 3 submitters: Uncertain significance (3). Last evaluated 2025-08-13.

Conditions:
Inborn genetic diseases. Identifiers: MedGen C0950123, MeSH D030342.
Fanconi anemia (FA). Also called: Fanconi's anemia. Identifiers: Orphanet 84, MedGen C0015625, MeSH D005199, MONDO:0019391.
Hereditary breast ovarian cancer syndrome. Also called: Hereditary breast and/or ovarian cancer syndrome; Hereditary breast and ovarian cancer syndrome (HBOC); Breast and ovarian cancer; Hereditary breast and ovarian cancer; BRCA1- and BRCA2-Associated Hereditary Breast and Ovarian Cancer; Hereditary breast and ovarian cancer syndrome. Identifiers: Orphanet 145, MedGen C0677776, MeSH D061325, MONDO:0003582. Disease mechanism: loss of function.

Allele frequency attached by ClinVar (database versions not stated): ExAC 0.00001; gnomAD 0.00001 and 0.00003; gnomAD exomes 0.00001 and 0.00003; TOPMed 0.00001.
gnomAD v4.1: 52 of 1,599,894 alleles (0.0033%); highest among the groups gnomAD compares: East Asian, 0.12%; 1 homozygote.

Submissions (3):

Ambry Genetics
Classification: Uncertain significance for Inborn genetic diseases. Last evaluated: 2025-08-13. Review status: criteria provided, single submitter. Criteria: Ambry Variant Classification Scheme 2023. Collection method: clinical testing. Allele origin: germline.

Labcorp Genetics (formerly Invitae), Labcorp
Classification: Uncertain significance for Fanconi anemia. Last evaluated: 2025-06-14. Review status: criteria provided, single submitter. Criteria: Invitae Variant Classification Sherloc (09022015). Collection method: clinical testing. Allele origin: germline.
Comment: This sequence change replaces arginine, which is basic and polar, with lysine, which is basic and polar, at codon 899 of the FANCM protein (p.Arg899Lys). This variant is present in population databases (rs755241883, gnomAD 0.02%). This variant has not been reported in the literature in individuals affected with FANCM-related conditions. ClinVar contains an entry for this variant (Variation ID: 830248). An algorithm developed to predict the effect of missense changes on protein structure and function outputs the following: PolyPhen-2: "Benign". The lysine amino acid residue is found in multiple mammalian species, which suggests that this missense change does not adversely affect protein function. In summary, the available evidence is currently insufficient to determine the role of this variant in disease. Therefore, it has been classified as a Variant of Uncertain Significance.

Cancer Genomics Group, Japanese Foundation For Cancer Research
Classification: Uncertain significance for Hereditary breast and ovarian cancer syndrome. Last evaluated: 2019-05-01. Review status: criteria provided, single submitter. Criteria: ACMG Guidelines, 2015. Collection method: research. Allele origin: germline. Affected: yes.